The following is an entry in ClinVar:

ClinVar aggregate classification (germline): Uncertain significance (1 of 4 stars; one submission).

Allele frequency attached by ClinVar (database versions not stated): gnomAD 0.00001; TOPMed 0.00001.
gnomAD v4.1: 8 of 1,598,490 alleles (0.0005%); highest among the groups gnomAD compares: East Asian, 0.0022%; no homozygotes.

Submission:

Labcorp Genetics (formerly Invitae), Labcorp
Classification: Uncertain significance. Last evaluated: 2025-02-17. Review status: criteria provided, single submitter. Criteria: Invitae Variant Classification Sherloc (09022015). Collection method: clinical testing. Allele origin: germline.
Comment: This sequence change replaces arginine, which is basic and polar, with histidine, which is basic and polar, at codon 395 of the AHDC1 protein (p.Arg395His). The frequency data for this variant in the population databases is considered unreliable, as metrics indicate poor data quality at this position in the gnomAD database. This variant has not been reported in the literature in individuals affected with AHDC1-related conditions. ClinVar contains an entry for this variant (Variation ID: 2962298). An algorithm developed to predict the effect of missense changes on protein structure and function (PolyPhen-2) suggests that this variant is likely to be disruptive. In summary, the available evidence is currently insufficient to determine the role of this variant in disease. Therefore, it has been classified as a Variant of Uncertain Significance.

NM_001371928.1(AHDC1):c.1184G>A (p.Arg395His)

Gene: AHDC1 (AT-hook DNA binding motif containing 1; minus strand). Cytogenetic location: 1p36.11.
Variant type: single nucleotide variant.
Coding change: c.1184G>A on transcript NM_001371928.1 (MANE Select); coding-DNA position 1184, G replaced by A.
Protein change: p.Arg395His; replaces arginine 395 with histidine.
Molecular consequence: missense variant.
Genome position (GRCh38, 1-based): chr1:27,550,932, C>T on the plus strand (G>A on the coding strand, the complement: AHDC1 is on the minus strand). VCF-style: chr1-27550932-C-T. GRCh37 (hg19) VCF-style: chr1-27877443-C-T.
Other names: c.1184G>A, p.Arg395His (NM_001029882.3); short protein forms R395H.
Identifiers: ClinVar variation 2962298 (VCV002962298.3), dbSNP rs753277572, ClinGen allele CA19878012.
Genomic context (GRCh38, chr1:27,550,932, plus strand): 5'-GGCAGTAGGCGGCCCTCGGGTCCGGCGTCTGCCTTGCGTCCCCGTCCGGCTTTCCGCCGG[C>T]GACACAGGATCTTTGGCCTATCAGTGCGCCGCAAGGCGTACTTGGGGTGACCCTCAGGCC-3'
Protein context (NP_001358857.1, residues 385-405): RRTDRPKILC[Arg395His]RRKAGRGRKA